The following is an entry in ClinVar:

ClinVar aggregate classification (germline): Uncertain significance (1 of 4 stars; one submission).

Submission:

Labcorp Genetics (formerly Invitae), Labcorp
Classification: Uncertain significance. Last evaluated: 2022-05-10. Review status: criteria provided, single submitter. Criteria: Invitae Variant Classification Sherloc (09022015). Collection method: clinical testing. Allele origin: germline.
Comment: This sequence change replaces arginine, which is basic and polar, with glycine, which is neutral and non-polar, at codon 165 of the CTNNA1 protein (p.Arg165Gly). This variant is not present in population databases (gnomAD no frequency). This variant has not been reported in the literature in individuals affected with CTNNA1-related conditions. Algorithms developed to predict the effect of missense changes on protein structure and function are either unavailable or do not agree on the potential impact of this missense change (SIFT: "Deleterious"; PolyPhen-2: "Benign"; Align-GVGD: "Class C0"). In summary, the available evidence is currently insufficient to determine the role of this variant in disease. Therefore, it has been classified as a Variant of Uncertain Significance.

NM_001903.5(CTNNA1):c.493A>G (p.Arg165Gly)

Gene: CTNNA1 (catenin alpha 1; plus strand). Cytogenetic location: 5q31.2.
Variant type: single nucleotide variant.
Coding change: c.493A>G on transcript NM_001903.5 (MANE Select); coding-DNA position 493, A replaced by G.
Protein change: p.Arg165Gly; replaces arginine 165 with glycine.
Molecular consequence: missense variant.
Genome position (GRCh38, 1-based): chr5:138,812,207, A>G. VCF-style: chr5-138812207-A-G. GRCh37 (hg19) VCF-style: chr5-138147896-A-G.
Other names: c.493A>G, p.Arg165Gly (NM_001290307.3, NM_001323982.2, NM_001323983.1 and 3 more transcripts); c.184A>G, p.Arg62Gly (NM_001290309.3); c.124A>G, p.Arg42Gly (NM_001290310.3); short protein forms R165G, R42G, R62G.
Identifiers: ClinVar variation 2134293 (VCV002134293.4), dbSNP rs2532348409, ClinGen allele CA361125028.
Genomic context (GRCh38, chr5:138,812,207, plus strand): 5'-GAATTTTTGGGTTTTGGGGTCTTTCTTATTTTATAGGTGGAAGATGGTATCTTGAAGTTG[A>G]GGAATGCTGGCAATGAACAAGACTTAGGAATCCAGTATAAAGCCCTAAAACCTGAAGTGG-3'
Protein context (NP_001894.2, residues 155-175): KVVEDGILKL[Arg165Gly]NAGNEQDLGI